The following is an entry in ClinVar:

ClinVar aggregate classification (germline): Uncertain significance (1 of 4 stars; one submission).

Allele frequency attached by ClinVar (database versions not stated): gnomAD exomes below 0.00001.
gnomAD v4.1: 2 of 1,613,730 alleles (0.00012%); highest among the groups gnomAD compares: Admixed American, 0.0017%; no homozygotes.

Submission:

GeneDx
Classification: Uncertain significance. Last evaluated: 2022-11-29. Review status: criteria provided, single submitter. Criteria: GeneDx Variant Classification Process June 2021. Collection method: clinical testing. Allele origin: germline. Affected: yes.
Comment: Not observed at significant frequency in large population cohorts (gnomAD); In silico analysis supports that this missense variant has a deleterious effect on protein structure/function; Has not been previously published as pathogenic or benign to our knowledge

NM_001085458.2(CTNND1):c.2594A>G (p.Tyr865Cys)

Genes: CTNND1 (catenin delta 1; plus strand), TMX2-CTNND1 (TMX2-CTNND1 readthrough (NMD candidate); plus strand). Cytogenetic location: 11q12.1.
Variant type: single nucleotide variant.
Coding change: c.2594A>G on transcript NM_001085458.2 (MANE Select); coding-DNA position 2594, A replaced by G.
Protein change: p.Tyr865Cys; replaces tyrosine 865 with cysteine.
Molecular consequence: missense variant. On other transcripts: non-coding transcript variant (1).
Genome position (GRCh38, 1-based): chr11:57,811,442, A>G. VCF-style: chr11-57811442-A-G. GRCh37 (hg19) VCF-style: chr11-57578914-A-G.
Other names: c.2576A>G, p.Tyr859Cys (NM_001085459.2, NM_001085460.2, NM_001085461.2 and 2 more transcripts); c.2291A>G, p.Tyr764Cys (NM_001085463.2, NM_001085466.2); c.2273A>G, p.Tyr758Cys (NM_001085464.2, NM_001085465.2, NM_001085467.2 and 3 more transcripts); c.2432A>G, p.Tyr811Cys (NM_001206883.2, NM_001206884.2); c.2594A>G, p.Tyr865Cys (NM_001206885.2); c.2414A>G, p.Tyr805Cys (NM_001206886.2, NM_001206887.2, NM_001206888.2 and 2 more transcripts); short protein forms Y758C, Y764C, Y805C, Y811C, Y859C, Y865C.
Identifiers: ClinVar variation 2503220 (VCV002503220.1), dbSNP rs1430518896, ClinGen allele CA380816023.